The following is an entry in ClinVar:

NM_004304.5(ALK):c.2727C>T (p.Ala909=)

Gene: ALK (ALK receptor tyrosine kinase; minus strand). Cytogenetic location: 2p23.2.
Variant type: single nucleotide variant.
Coding change: c.2727C>T on transcript NM_004304.5 (MANE Select); coding-DNA position 2727, C replaced by T.
Protein change: p.Ala909=; no amino-acid change (alanine 909 retained).
Molecular consequence: synonymous variant.
Genome position (GRCh38, 1-based): chr2:29,228,972, G>A on the plus strand (C>T on the coding strand, the complement: ALK is on the minus strand). VCF-style: chr2-29228972-G-A. GRCh37 (hg19) VCF-style: chr2-29451838-G-A.
Other names: c.2727C>T (NM_004304.4).
Identifiers: ClinVar variation 1099383 (VCV001099383.11), dbSNP rs1236590521, ClinGen allele CA425436409.

ClinVar aggregate classification (germline): Conflicting classifications of pathogenicity. Review status: criteria provided, conflicting classifications (1 of 4 stars). 3 submissions from 3 submitters: Uncertain significance (1); Likely benign (2). Last evaluated 2024-08-29.

Conditions:
Hereditary cancer-predisposing syndrome. Also called: Neoplastic Syndromes, Hereditary; Hereditary neoplastic syndrome; Hereditary Cancer Syndrome; Tumor predisposition. Identifiers: Orphanet 140162, MedGen C0027672, MeSH D009386, MONDO:0015356.
Neuroblastoma, susceptibility to, 3. Also called: ALK-Related Neuroblastic Tumor Susceptibility. Identifiers: Orphanet 635, MedGen C2751681, MONDO:0013083, OMIM 613014.

Allele frequency attached by ClinVar (database versions not stated): gnomAD exomes below 0.00001 and 0.00001; gnomAD 0.00001.
gnomAD v4.1: 12 of 1,502,924 alleles (0.0008%); highest among the groups gnomAD compares: Non-Finnish European, 0.0011%; no homozygotes.

Submissions (3):

Labcorp Genetics (formerly Invitae), Labcorp
Classification: Likely benign for Neuroblastoma, susceptibility to, 3. Last evaluated: 2024-08-29. Review status: criteria provided, single submitter. Criteria: Invitae Variant Classification Sherloc (09022015). Collection method: clinical testing. Allele origin: germline.

GeneDx
Classification: Uncertain significance. Last evaluated: 2024-03-03. Review status: criteria provided, single submitter. Criteria: GeneDx Variant Classification Process June 2021. Collection method: clinical testing. Allele origin: germline. Affected: yes.
Comment: Not observed at significant frequency in large population cohorts (gnomAD); In silico analysis supports that this variant does not alter splicing; Has not been previously published as pathogenic or benign to our knowledge

Ambry Genetics
Classification: Likely benign for Hereditary cancer-predisposing syndrome. Last evaluated: 2022-11-27. Review status: criteria provided, single submitter. Criteria: Ambry Variant Classification Scheme 2023. Collection method: clinical testing. Allele origin: germline.